The following is an entry in ClinVar:

NM_144599.5(NIPA1):c.*5071C>T

Gene: NIPA1 (NIPA magnesium transporter 1; plus strand). Cytogenetic location: 15q11.2.
Variant type: single nucleotide variant.
Coding change: c.*5071C>T on transcript NM_144599.5 (MANE Select); 5071 bases downstream of the stop codon, C replaced by T.
Molecular consequence: 3 prime UTR variant.
Genome position (GRCh38, 1-based): chr15:22,829,310, C>T. VCF-style: chr15-22829310-C-T. GRCh37 (hg19) VCF-style: chr15-23043758-G-A.
Other names: c.*5071C>T (NM_001142275.1).
Identifiers: ClinVar variation 315339 (VCV000315339.5), dbSNP rs141920126, ClinGen allele CA10641492.

ClinVar aggregate classification (germline): Benign (1 of 4 stars; one submission).

Conditions:
Hereditary spastic paraplegia 6 (SPG6). Also called: SPASTIC PARAPLEGIA 6, AUTOSOMAL DOMINANT. Identifiers: Orphanet 100988, MedGen C1838192, MONDO:0010878, OMIM 600363.

Allele frequency attached by ClinVar (database versions not stated): 1000 Genomes Project 0.00060; 1000 Genomes Project 30x 0.00078; gnomAD 0.00176 and 0.00185; TOPMed 0.00180.

Submission:

Illumina Laboratory Services, Illumina
Classification: Benign for Hereditary spastic paraplegia 6. Last evaluated: 2018-01-13. Review status: criteria provided, single submitter. Criteria: ICSL Variant Classification Criteria 13 December 2019. Collection method: clinical testing. Allele origin: germline.
Comment: This variant was observed in the ICSL laboratory as part of a predisposition screen in an ostensibly healthy population. It had not been previously curated by ICSL or reported in the Human Gene Mutation Database (HGMD: prior to June 1st, 2018), and was therefore a candidate for classification through an automated scoring system. Utilizing variant allele frequency, disease prevalence and penetrance estimates, and inheritance mode, an automated score was calculated to assess if this variant is too frequent to cause the disease. Based on the score and internal cut-off values, a variant classified as benign is not then subjected to further curation. The score for this variant resulted in a classification of benign for this disease.